The following is an entry in ClinVar:

NM_032444.4(SLX4):c.3863C>G (p.Thr1288Ser)

Gene: SLX4 (SLX4 structure-specific endonuclease subunit; minus strand). Cytogenetic location: 16p13.3.
Variant type: single nucleotide variant.
Coding change: c.3863C>G on transcript NM_032444.4 (MANE Select); coding-DNA position 3863, C replaced by G.
Protein change: p.Thr1288Ser; replaces threonine 1288 with serine.
Molecular consequence: missense variant.
Genome position (GRCh38, 1-based): chr16:3,589,775, G>C on the plus strand (C>G on the coding strand, the complement: SLX4 is on the minus strand). VCF-style: chr16-3589775-G-C. GRCh37 (hg19) VCF-style: chr16-3639776-G-C.
Other names: c.3863C>G (LRG_503t1); short protein forms T1288S.
Identifiers: ClinVar variation 407941 (VCV000407941.7), dbSNP rs1060501799, ClinGen allele CA16614919.
Genomic context (GRCh38, chr16:3,589,775, plus strand): 5'-AACTTCTGTGCGACTTCGTTCCCTTCCCTGTTTCCTACTGAGGCCCTGGGCGTGTGCTGA[G>C]TCACCGCCTGCACGGCCAGCCCGCTCCTGAGGCTGCTGATTTGGGTCTGGGAAGAACAGT-3'
Protein context (NP_115820.2, residues 1278-1298): LRSGLAVQAV[Thr1288Ser]QHTPRASVGN

ClinVar aggregate classification (germline): Uncertain significance. Review status: criteria provided, multiple submitters, no conflicts (2 of 4 stars). 2 submissions from 2 submitters: Uncertain significance (2). Last evaluated 2024-06-04.

Conditions:
Fanconi anemia complementation group P. Also called: SLX4-Related Fanconi Anemia. Identifiers: Orphanet 84, MedGen C3469542, MONDO:0013499, OMIM 613951.
Fanconi anemia (FA). Also called: Fanconi's anemia. Identifiers: Orphanet 84, MedGen C0015625, MeSH D005199, MONDO:0019391.

Submissions (2):

Fulgent Genetics
Classification: Uncertain significance for Fanconi anemia complementation group P. Last evaluated: 2024-06-04. Review status: criteria provided, single submitter. Criteria: ACMG Guidelines, 2015. Collection method: clinical testing. Allele origin: germline.

Labcorp Genetics (formerly Invitae), Labcorp
Classification: Uncertain significance for Fanconi anemia. Last evaluated: 2022-10-31. Review status: criteria provided, single submitter. Criteria: Invitae Variant Classification Sherloc (09022015). Collection method: clinical testing. Allele origin: germline.
Comment: Algorithms developed to predict the effect of missense changes on protein structure and function (SIFT, PolyPhen-2, Align-GVGD) all suggest that this variant is likely to be tolerated. ClinVar contains an entry for this variant (Variation ID: 407941). This variant has not been reported in the literature in individuals affected with SLX4-related conditions. This variant is not present in population databases (gnomAD no frequency). This sequence change replaces threonine, which is neutral and polar, with serine, which is neutral and polar, at codon 1288 of the SLX4 protein (p.Thr1288Ser). In summary, the available evidence is currently insufficient to determine the role of this variant in disease. Therefore, it has been classified as a Variant of Uncertain Significance.